The following is an entry in ClinVar:

ClinVar aggregate classification (germline): Uncertain significance (1 of 4 stars; one submission).

Conditions:
Distal myopathy with posterior leg and anterior hand involvement. Also called: WILLIAMS DISTAL MYOPATHY. Identifiers: Orphanet 63273, MedGen C3279722, MONDO:0013550, OMIM 614065.
Myofibrillar myopathy 5. Also called: FILAMINOPATHY, AUTOSOMAL DOMINANT; Filaminopathy (type). Identifiers: Orphanet 171445, MedGen C1836050, MONDO:0012289, OMIM 609524.
Hypertrophic cardiomyopathy 26. Also called: Cardiomyopathy, familial hypertrophic, 26. Identifiers: Orphanet 75249, MedGen C4310749, MONDO:0014883, OMIM 617047.

Submission:

Labcorp Genetics (formerly Invitae), Labcorp
Classification: Uncertain significance for Distal myopathy with posterior leg and anterior hand involvement; Myofibrillar myopathy 5; Hypertrophic cardiomyopathy 26. Last evaluated: 2023-11-27. Review status: criteria provided, single submitter. Criteria: Invitae Variant Classification Sherloc (09022015). Collection method: clinical testing. Allele origin: germline.
Comment: This sequence change replaces alanine, which is neutral and non-polar, with proline, which is neutral and non-polar, at codon 806 of the FLNC protein (p.Ala806Pro). This variant is not present in population databases (gnomAD no frequency). This variant has not been reported in the literature in individuals affected with FLNC-related conditions. ClinVar contains an entry for this variant (Variation ID: 2061202). Advanced modeling of protein sequence and biophysical properties (such as structural, functional, and spatial information, amino acid conservation, physicochemical variation, residue mobility, and thermodynamic stability) has been performed at Invitae for this missense variant, however the output from this modeling did not meet the statistical confidence thresholds required to predict the impact of this variant on FLNC protein function. In summary, the available evidence is currently insufficient to determine the role of this variant in disease. Therefore, it has been classified as a Variant of Uncertain Significance.

NM_001458.5(FLNC):c.2416G>C (p.Ala806Pro)

Gene: FLNC (filamin C; plus strand). Cytogenetic location: 7q32.1.
Variant type: single nucleotide variant.
Coding change: c.2416G>C on transcript NM_001458.5 (MANE Select); coding-DNA position 2416, G replaced by C.
Protein change: p.Ala806Pro; replaces alanine 806 with proline.
Molecular consequence: missense variant.
Genome position (GRCh38, 1-based): chr7:128,842,820, G>C. VCF-style: chr7-128842820-G-C. GRCh37 (hg19) VCF-style: chr7-128482874-G-C.
Other names: c.2416G>C, p.Ala806Pro (NM_001127487.2); short protein forms A806P.
Identifiers: ClinVar variation 2061202 (VCV002061202.4), dbSNP rs1386986739, ClinGen allele CA369191577.